The following is an entry in ClinVar:

NM_032447.5(FBN3):c.6032-3C>A

Gene: FBN3 (fibrillin 3; minus strand). Cytogenetic location: 19p13.2.
Variant type: single nucleotide variant.
Coding change: c.6032-3C>A on transcript NM_032447.5 (MANE Select); 3 bases into the intron before coding-DNA position 6032, C replaced by A.
Molecular consequence: intron variant.
Genome position (GRCh38, 1-based): chr19:8,090,254, G>T on the plus strand (C>A on the coding strand, the complement: FBN3 is on the minus strand). VCF-style: chr19-8090254-G-T. GRCh37 (hg19) VCF-style: chr19-8155138-G-T.
Other names: c.6032-3C>A (NM_001321431.1, NM_001321431.2).
Identifiers: ClinVar variation 1594978 (VCV001594978.10), dbSNP rs144765408, ClinGen allele CA9151431.

ClinVar aggregate classification (germline): Likely benign. Review status: criteria provided, single submitter (1 of 4 stars). 2 submissions from 2 submitters: Likely benign (1). 1 of the submissions does not count toward it. Last evaluated 2026-01-26.

Conditions:
FBN3-related disorder. Also called: FBN3-related condition.

Allele frequency attached by ClinVar (database versions not stated): 1000 Genomes Project 30x 0.00016; 1000 Genomes Project 0.00020; gnomAD exomes 0.00117; ExAC 0.00126; ESP Exome Variant Server 0.00177.
gnomAD v4.1: 3,221 of 1,613,796 alleles (0.2%); highest among the groups gnomAD compares: Non-Finnish European, 0.25%; 5 homozygotes.

Submissions (2):

Labcorp Genetics (formerly Invitae), Labcorp
Classification: Likely benign. Last evaluated: 2026-01-26. Review status: criteria provided, single submitter. Criteria: Invitae Variant Classification Sherloc (09022015). Collection method: clinical testing. Allele origin: germline.

PreventionGenetics, part of Exact Sciences
Classification: Likely benign for FBN3-related condition. Last evaluated: 2022-05-24. Review status: no assertion criteria provided. Collection method: clinical testing. Allele origin: germline. Not counted in ClinVar's aggregate classification.
Comment: This variant is classified as likely benign based on ACMG/AMP sequence variant interpretation guidelines (Richards et al. 2015 PMID: 25741868, with internal and published modifications).